The following is an entry in ClinVar:

ClinVar aggregate classification (germline): Uncertain significance (1 of 4 stars; one submission).

Conditions:
Cardiovascular phenotype. Identifiers: MedGen CN230736.

Allele frequency attached by ClinVar (database versions not stated): gnomAD exomes below 0.00001; TOPMed below 0.00001; ExAC 0.00001; gnomAD 0.00001.
gnomAD v4.1: 3 of 1,613,852 alleles (0.00019%); highest among the groups gnomAD compares: African/African-American, 0.004%; no homozygotes.

Submission:

Ambry Genetics
Classification: Uncertain significance for Cardiovascular phenotype. Last evaluated: 2022-06-06. Review status: criteria provided, single submitter. Criteria: Ambry Variant Classification Scheme 2023. Collection method: clinical testing. Allele origin: germline.
Comment: The p.Q135K variant (also known as c.403C>A), located in coding exon 4 of the PRDM5 gene, results from a C to A substitution at nucleotide position 403. The glutamine at codon 135 is replaced by lysine, an amino acid with similar properties. This amino acid position is conserved. In addition, this alteration is predicted to be tolerated by in silico analysis. Since supporting evidence is limited at this time, the clinical significance of this alteration remains unclear.

NM_018699.4(PRDM5):c.403C>A (p.Gln135Lys)

Gene: PRDM5 (PR/SET domain 5; minus strand). Cytogenetic location: 4q27.
Variant type: single nucleotide variant.
Coding change: c.403C>A on transcript NM_018699.4 (MANE Select); coding-DNA position 403, C replaced by A.
Protein change: p.Gln135Lys; replaces glutamine 135 with lysine.
Molecular consequence: missense variant.
Genome position (GRCh38, 1-based): chr4:120,821,243, G>T on the plus strand (C>A on the coding strand, the complement: PRDM5 is on the minus strand). VCF-style: chr4-120821243-G-T. GRCh37 (hg19) VCF-style: chr4-121742398-G-T.
Other names: c.403C>A, p.Gln135Lys (NM_001300823.2, NM_001300824.2, NM_001379104.1 and 1 more transcripts); short protein forms Q135K.
Identifiers: ClinVar variation 1737266 (VCV001737266.2), dbSNP rs761418669, ClinGen allele CA3061404.